The following is an entry in ClinVar:

NM_003086.4(SNAPC4):c.1600AGC[5] (p.Ser539_Ser542del)

Gene: SNAPC4 (small nuclear RNA activating complex polypeptide 4; minus strand). Cytogenetic location: 9q34.3.
Variant type: Microsatellite.
Coding change: c.1600AGC[5] on transcript NM_003086.4 (MANE Select); five copies in a row of the 3-base unit AGC starting at c.1600; the reference has nine copies in a row; four copies, 12 bases deleted.
Protein change: p.Ser539_Ser542del.
Molecular consequence: inframe deletion.
Genome position (GRCh38, 1-based): chr9:136,383,543-136,383,554, GCTGCTGCTGCT deleted on the plus strand (AGCAGCAGCAGC on the coding strand, the reverse complement: SNAPC4 is on the minus strand); deleting any 12 consecutive bases within chr9:136,383,543-136,383,569 gives the same sequence; the position shown is the placement nearest the transcript's 3' end. VCF-style (leftmost placement, unchanged base first): chr9-136383542-CGCTGCTGCTGCT-C. GRCh37 (hg19) VCF-style: chr9-139277994-CGCTGCTGCTGCT-C.
Other names: c.1600AGC[5], p.Ser539_Ser542del (NM_001394201.1, NM_001394202.1, NM_001394203.1).
Identifiers: ClinVar variation 4977676 (VCV004977676.1).

ClinVar aggregate classification (germline): Uncertain significance (1 of 4 stars; one submission).

Conditions:
SNAPC4 related condition.

Submission:

PreventionGenetics, part of Exact Sciences
Classification: Uncertain significance for SNAPC4-related condition. Last evaluated: 2026-08-18. Review status: criteria provided, single submitter. Criteria: ACMG Guidelines, 2015. Collection method: clinical testing. Allele origin: germline.
Comment: The SNAPC4 c.1615_1626del12 variant is predicted to result in an in-frame deletion (p.Ser539_Ser542del). To our knowledge, this variant has not been reported in the literature or in a large population database (gnomAD), indicating this variant is rare. Although we suspect that this variant may be benign, at this time, the clinical significance of this variant is uncertain due to the absence of conclusive functional and genetic evidence.